The following is an entry in ClinVar:

NM_024741.3(ZNF408):c.1031G>A (p.Gly344Glu)

Gene: ZNF408 (zinc finger protein 408; plus strand). Cytogenetic location: 11p11.2.
Variant type: single nucleotide variant.
Coding change: c.1031G>A on transcript NM_024741.3 (MANE Select); coding-DNA position 1031, G replaced by A.
Protein change: p.Gly344Glu; replaces glycine 344 with glutamic acid.
Molecular consequence: missense variant.
Genome position (GRCh38, 1-based): chr11:46,704,731, G>A. VCF-style: chr11-46704731-G-A. GRCh37 (hg19) VCF-style: chr11-46726281-G-A.
Other names: c.1007G>A, p.Gly336Glu (NM_001184751.2); short protein forms G336E, G344E.
Identifiers: ClinVar variation 806656 (VCV000806656.49), dbSNP rs761808992, ClinGen allele CA5966481.

ClinVar aggregate classification (germline): Uncertain significance. Review status: criteria provided, multiple submitters, no conflicts (2 of 4 stars). 4 submissions from 4 submitters: Uncertain significance (4). Last evaluated 2025-10-21.

Allele frequency attached by ClinVar (database versions not stated): gnomAD exomes 0.00001; TOPMed 0.00001; ExAC 0.00002.
gnomAD v4.1: 13 of 1,600,486 alleles (0.00081%); highest among the groups gnomAD compares: African/African-American, 0.0013%; no homozygotes.

Submissions (4):

Labcorp Genetics (formerly Invitae), Labcorp
Classification: Uncertain significance. Last evaluated: 2025-10-21. Review status: criteria provided, single submitter. Criteria: Invitae Variant Classification Sherloc (09022015). Collection method: clinical testing. Allele origin: germline.
Comment: This sequence change replaces glycine, which is neutral and non-polar, with glutamic acid, which is acidic and polar, at codon 344 of the ZNF408 protein (p.Gly344Glu). This variant is present in population databases (rs761808992, gnomAD 0.007%). This variant has not been reported in the literature in individuals affected with ZNF408-related conditions. ClinVar contains an entry for this variant (Variation ID: 806656). An algorithm developed to predict the effect of missense changes on protein structure and function outputs the following: PolyPhen-2: "Benign". The glutamic acid amino acid residue is found in multiple mammalian species, which suggests that this missense change does not adversely affect protein function. In summary, the available evidence is currently insufficient to determine the role of this variant in disease. Therefore, it has been classified as a Variant of Uncertain Significance.

GeneDx
Classification: Uncertain significance. Last evaluated: 2024-08-22. Review status: criteria provided, single submitter. Criteria: GeneDx Variant Classification Process June 2021. Collection method: clinical testing. Allele origin: germline. Affected: yes.
Comment: In silico analysis indicates that this missense variant does not alter protein structure/function; Has not been previously published as pathogenic or benign to our knowledge

Blueprint Genetics
Classification: Uncertain significance. Last evaluated: 2023-11-28. Review status: criteria provided, single submitter. Criteria: ACMG Guidelines, 2015. Collection method: clinical testing. Allele origin: germline.

CeGaT Center for Human Genetics Tuebingen
Classification: Uncertain significance. Last evaluated: 2019-05-01. Review status: criteria provided, single submitter. Criteria: CeGaT Center For Human Genetics Tuebingen Variant Classification Criteria Version 2. Collection method: clinical testing. Allele origin: germline. Affected: yes. Observed: 1 variant allele.